The following is an entry in ClinVar:

NM_000133.4(F9):c.1120G>A (p.Val374Ile)

Gene: F9 (coagulation factor IX; plus strand). Cytogenetic location: Xq27.1.
Variant type: single nucleotide variant.
Coding change: c.1120G>A on transcript NM_000133.4 (MANE Select); coding-DNA position 1120, G replaced by A.
Protein change: p.Val374Ile; replaces valine 374 with isoleucine.
Molecular consequence: missense variant.
Genome position (GRCh38, 1-based): chrX:139,561,805, G>A. VCF-style: chrX-139561805-G-A. GRCh37 (hg19) VCF-style: chrX-138643964-G-A.
Other names: c.1006G>A, p.Val336Ile (NM_001313913.2); short protein forms V336I, V374I.
Identifiers: ClinVar variation 3769491 (VCV003769491.3).

ClinVar aggregate classification (germline): Uncertain significance. Review status: criteria provided, multiple submitters, no conflicts (2 of 4 stars). 2 submissions from 2 submitters: Uncertain significance (2). Last evaluated 2026-01-02.

Conditions:
Hereditary factor IX deficiency disease (HEMB). Also called: F9 DEFICIENCY; FACTOR IX DEFICIENCY; PLASMA THROMBOPLASTIN COMPONENT DEFICIENCY; Hemophilia B; Christmas Disease. Identifiers: Orphanet 98879, MedGen C0008533, MeSH D002836, MONDO:0010604, OMIM 306900.

gnomAD v4.1: 3 of 1,210,191 alleles (0.00025%); highest among the groups gnomAD compares: Non-Finnish European, 0.00034%; no homozygotes.

Submissions (2):

Myriad Genetics, Inc.
Classification: Uncertain significance for Hereditary factor IX deficiency disease. Last evaluated: 2026-01-02. Review status: criteria provided, single submitter. Criteria: Myriad Autosomal Dominant, Autosomal Recessive and X-Linked Classification Criteria (2023). Collection method: clinical testing. Allele origin: unknown.
Comment: NM_000133.3(F9):c.1120G>A(V374I) is a missense variant classified as a variant of uncertain significance in the context of hemophilia B. V374I has been observed in a case with relevant disease (PMID: 2096489). Relevant functional assessments of this variant are not available in the literature. V374I has not been observed in referenced population frequency databases. In summary, there is insufficient evidence to classify NM_000133.3(F9):c.1120G>A(V374I) as pathogenic or benign. Please note: this variant was assessed in the context of healthy population screening.

Women's Health and Genetics/Laboratory Corporation of America, LabCorp
Classification: Uncertain significance. Last evaluated: 2025-01-21. Review status: criteria provided, single submitter. Criteria: LabCorp Variant Classification Summary - May 2015. Collection method: clinical testing. Allele origin: germline.
Comment: Variant summary: F9 c.1120G>A (p.Val374Ile) results in a conservative amino acid change located in the Serine proteases, trypsin domain (IPR001254) of the encoded protein sequence. Three of five in-silico tools predict a benign effect of the variant on protein function. The variant was absent in 183185 control chromosomes (gnomAD). The available data on variant occurrences in the general population are insufficient to allow any conclusion about variant significance. c.1120G>A has been reported in the literature in at least one individual affected with Factor IX Deficiency (Hemophilia B) (Poort_1990, Giannelli_1994, Meireles_2019). These data do not allow any conclusion about variant significance. To our knowledge, no experimental evidence demonstrating an impact on protein function has been reported. The following publications have been ascertained in the context of this evaluation (PMID: 7937052, 30817849, 2096489). No submitters have cited clinical-significance assessments for this variant to ClinVar. Based on the evidence outlined above, the variant was classified as uncertain significance.

Literature cited by the submitters: PubMed 2096489 (cited by Myriad Genetics, Inc. and Women's Health and Genetics/Laboratory Corporation of America, LabCorp); PubMed 7937052 (cited by Women's Health and Genetics/Laboratory Corporation of America, LabCorp); PubMed 30817849 (cited by Women's Health and Genetics/Laboratory Corporation of America, LabCorp).